The following is an entry in ClinVar:

ClinVar aggregate classification (germline): Uncertain significance (1 of 4 stars; one submission).

Conditions:
3MC syndrome 1. Also called: OCULOPALATOSKELETAL SYNDROME; CRANIOSYNOSTOSIS WITH LID ANOMALIES; MICHELS SYNDROME. Identifiers: Orphanet 293843, MedGen C0796059, MONDO:0009770, OMIM 257920.

Allele frequency attached by ClinVar (database versions not stated): TOPMed 0.00001.
gnomAD v4.1: 80 of 1,614,108 alleles (0.005%); highest among the groups gnomAD compares: Non-Finnish European, 0.0064%; no homozygotes.

Submission:

Labcorp Genetics (formerly Invitae), Labcorp
Classification: Uncertain significance for 3MC syndrome 1. Last evaluated: 2020-10-14. Review status: criteria provided, single submitter. Criteria: Invitae Variant Classification Sherloc (09022015). Collection method: clinical testing. Allele origin: germline.
Comment: In summary, the available evidence is currently insufficient to determine the role of this variant in disease. Therefore, it has been classified as a Variant of Uncertain Significance. Algorithms developed to predict the effect of missense changes on protein structure and function are either unavailable or do not agree on the potential impact of this missense change (SIFT: "Deleterious"; PolyPhen-2: "Benign"; Align-GVGD: "Class C25"). This variant has not been reported in the literature in individuals with MASP1-related conditions. This variant is present in population databases (rs115022399, ExAC 0.01%). This sequence change replaces arginine with histidine at codon 637 of the MASP1 protein (p.Arg637His). The arginine residue is highly conserved and there is a small physicochemical difference between arginine and histidine.

NM_139125.4(MASP1):c.1910G>A (p.Arg637His)

Gene: MASP1 (MBL associated serine protease 1; minus strand). Cytogenetic location: 3q27.3.
Variant type: single nucleotide variant.
Coding change: c.1910G>A on transcript NM_139125.4 (MANE Select); coding-DNA position 1910, G replaced by A.
Protein change: p.Arg637His; replaces arginine 637 with histidine.
Molecular consequence: missense variant. On other transcripts: non-coding transcript variant (1), intron variant (1).
Genome position (GRCh38, 1-based): chr3:187,235,961, C>T on the plus strand (G>A on the coding strand, the complement: MASP1 is on the minus strand). VCF-style: chr3-187235961-C-T. GRCh37 (hg19) VCF-style: chr3-186953749-C-T.
Other names: c.1303+5520G>A (NM_001879.6); short protein forms R637H.
Identifiers: ClinVar variation 1015891 (VCV001015891.5), dbSNP rs115022399, ClinGen allele CA2749147.
Genomic context (GRCh38, chr3:187,235,961, plus strand): 5'-TTGCCGCCCTCGTAGTAGCCAGCACAGAACATGTTCTCCGTGACGCTGTAATTGCCCGAG[C>T]GGGACTCATAGCTAGTTTTGCACTCAGCGTGAGGCACCACGGGTAACTTGACATACTGCA-3'
Protein context (NP_624302.1, residues 627-647): HAECKTSYES[Arg637His]SGNYSVTENM